The following is an entry in ClinVar:

NM_000197.2(HSD17B3):c.673G>A (p.Val225Met)

Genes: HSD17B3 (hydroxysteroid 17-beta dehydrogenase 3; minus strand), SLC35D2-HSD17B3 (SLC35D2-HSD17B3 readthrough; minus strand). Cytogenetic location: 9q22.32.
Variant type: single nucleotide variant.
Coding change: c.673G>A on transcript NM_000197.2 (MANE Select); coding-DNA position 673, G replaced by A.
Protein change: p.Val225Met; replaces valine 225 with methionine.
Molecular consequence: missense variant. On other transcripts: non-coding transcript variant (1).
Genome position (GRCh38, 1-based): chr9:96,240,907, C>T on the plus strand (G>A on the coding strand, the complement: HSD17B3 is on the minus strand). VCF-style: chr9-96240907-C-T. GRCh37 (hg19) VCF-style: chr9-99003189-C-T.
Other names: short protein forms V225M.
Identifiers: ClinVar variation 2674669 (VCV002674669.4), dbSNP rs768355659, ClinGen allele CA196613902.

ClinVar aggregate classification (germline): Pathogenic/Likely pathogenic. Review status: criteria provided, multiple submitters, no conflicts (2 of 4 stars). 2 submissions from 2 submitters: Pathogenic (1); Likely pathogenic (1). Last evaluated 2025-12-18.

Conditions:
Testosterone 17-beta-dehydrogenase deficiency. Also called: 17-beta hydroxysteroid dehydrogenase 3 deficiency; 46,XY disorder of sex development due to 17-beta-hydroxysteroid dehydrogenase 3 deficiency; Pseudohermaphroditism male with gynecomastia; 17 alpha ketosteroid reductase deficiency of testis; 17 alpha KSR deficiency; Neutral 17 beta hydroxysteroid oxidoreductase deficiency. Identifiers: Orphanet 752, MedGen C0268296, MONDO:0009916, OMIM 264300. Disease mechanism: loss of function.

gnomAD v4.1: 9 of 1,614,132 alleles (0.00056%); highest among the groups gnomAD compares: Non-Finnish European, 0.00076%; no homozygotes.

Submissions (2):

Labcorp Genetics (formerly Invitae), Labcorp
Classification: Likely pathogenic. Last evaluated: 2025-12-18. Review status: criteria provided, single submitter. Criteria: Invitae Variant Classification Sherloc (09022015). Collection method: clinical testing. Allele origin: germline.
Comment: This sequence change replaces valine, which is neutral and non-polar, with methionine, which is neutral and non-polar, at codon 225 of the HSD17B3 protein (p.Val225Met). This variant is present in population databases (rs768355659, gnomAD 0.0009%). This missense change has been observed in individuals with autosomal recessive 17-beta hydroxysteroid dehydrogenase 3 deficiency and/or clinical features of HDS17B3-related conditions (PMID: 25740850, 28617986, 32372306, 34009138). It has also been observed to segregate with disease in related individuals. ClinVar contains an entry for this variant (Variation ID: 2674669). An algorithm developed to predict the effect of missense changes on protein structure and function (PolyPhen-2) suggests that this variant is likely to be disruptive. Studies have shown that this missense change is associated with inconclusive levels of altered splicing (PMID: 32372306). In summary, the currently available evidence indicates that the variant is pathogenic, but additional data are needed to prove that conclusively. Therefore, this variant has been classified as Likely Pathogenic.

Clinical Biochemistry Laboratory, Health Services Laboratory
Classification: Pathogenic for Testosterone 17-beta-dehydrogenase deficiency. Last evaluated: 2023-11-20. Review status: criteria provided, single submitter. Criteria: ACMG Guidelines, 2015. Collection method: clinical testing. Allele origin: germline. Affected: yes.
Comment: ACMG:PM1 PM2 PM3 PP2 PP3 PP4

Literature cited by the submitters: PubMed 25740850 (cited by Labcorp Genetics (formerly Invitae), Labcorp and Clinical Biochemistry Laboratory, Health Services Laboratory); PubMed 28617986 (cited by Labcorp Genetics (formerly Invitae), Labcorp); PubMed 32372306 (cited by Labcorp Genetics (formerly Invitae), Labcorp); PubMed 34009138 (cited by Labcorp Genetics (formerly Invitae), Labcorp).